The following is an entry in ClinVar:

ClinVar aggregate classification (germline): Likely benign (1 of 4 stars; one submission).

gnomAD v4.1: 501 of 1,595,824 alleles (0.031%); highest among the groups gnomAD compares: South Asian, 0.15%; 1 homozygote.

Submission:

CeGaT Center for Human Genetics Tuebingen
Classification: Likely benign. Last evaluated: 2026-02-01. Review status: criteria provided, single submitter. Criteria: CeGaT Center For Human Genetics Tuebingen Variant Classification Criteria Version 2. Collection method: clinical testing. Allele origin: germline. Affected: yes. Observed: 1 variant allele.
Comment: CSMD1: BP4, BS1

NM_033225.6(CSMD1):c.10536-6C>T

Genes: CSMD1 (CUB and Sushi multiple domains 1; minus strand), LOC105377785 (uncharacterized LOC105377785; plus strand). Cytogenetic location: 8p23.2.
Variant type: single nucleotide variant.
Coding change: c.10536-6C>T on transcript NM_033225.6 (MANE Select); 6 bases into the intron before coding-DNA position 10536, C replaced by T.
Molecular consequence: intron variant.
Genome position (GRCh38, 1-based): chr8:2,938,750, G>A on the plus strand (C>T on the coding strand, the complement: CSMD1 is on the minus strand). VCF-style: chr8-2938750-G-A. GRCh37 (hg19) VCF-style: chr8-2796272-G-A.
Identifiers: ClinVar variation 4820922 (VCV004820922.4).